The following is an entry in ClinVar:

ClinVar aggregate classification (germline): Likely benign. Review status: criteria provided, single submitter (1 of 4 stars). 2 submissions from 2 submitters: Likely benign (1). 1 of the submissions does not count toward it. Last evaluated 2024-11-27.

Conditions:
NOL3-related disorder. Also called: NOL3-related condition.

Allele frequency attached by ClinVar (database versions not stated): ExAC 0.00086; ESP Exome Variant Server 0.00224; 1000 Genomes Project 30x 0.00234; 1000 Genomes Project 0.00240; gnomAD 0.00257.
gnomAD v4.1: 808 of 1,612,840 alleles (0.05%); highest among the groups gnomAD compares: African/African-American, 0.88%; 4 homozygotes.

Submissions (2):

Blueprint Genetics
Classification: Likely benign. Last evaluated: 2024-11-27. Review status: criteria provided, single submitter. Criteria: ACMG Guidelines, 2015. Collection method: clinical testing. Allele origin: germline.

PreventionGenetics, part of Exact Sciences
Classification: Benign for NOL3-related condition. Last evaluated: 2019-07-15. Review status: no assertion criteria provided. Collection method: clinical testing. Allele origin: germline. Not counted in ClinVar's aggregate classification.
Comment: This variant is classified as benign based on ACMG/AMP sequence variant interpretation guidelines (Richards et al. 2015 PMID: 25741868, with internal and published modifications).

NM_001276309.3(NOL3):c.75G>A (p.Ala25=)

Gene: NOL3 (nucleolar protein 3; plus strand). Cytogenetic location: 16q22.1.
Variant type: single nucleotide variant.
Coding change: c.75G>A on transcript NM_001276309.3 (MANE Select); coding-DNA position 75, G replaced by A.
Protein change: p.Ala25=; no amino-acid change (alanine 25 retained).
Molecular consequence: synonymous variant.
Genome position (GRCh38, 1-based): chr16:67,174,244, G>A. VCF-style: chr16-67174244-G-A. GRCh37 (hg19) VCF-style: chr16-67208147-G-A.
Other names: c.75G>A, p.Ala25= (NM_001185057.3, NM_001276307.3, NM_001276311.2 and 9 more transcripts).
Identifiers: ClinVar variation 3050129 (VCV003050129.3), dbSNP rs199980306, ClinGen allele CA8102274.